The following is an entry in ClinVar:

ClinVar aggregate classification (germline): Benign/Likely benign. Review status: criteria provided, multiple submitters, no conflicts (2 of 4 stars). 3 submissions from 3 submitters: Benign (2); Likely benign (1). Last evaluated 2026-08-01.

Allele frequency attached by ClinVar (database versions not stated): 1000 Genomes Project 30x 0.00109; 1000 Genomes Project 0.00140; gnomAD exomes 0.00448 and 0.00653; ExAC 0.00453; TOPMed 0.00470; gnomAD 0.00480 and 0.00521; ESP Exome Variant Server 0.00538.
gnomAD v4.1: 10,258 of 1,614,206 alleles (0.64%); highest among the groups gnomAD compares: Non-Finnish European, 0.77%; 50 homozygotes.

Submissions (3):

CeGaT Center for Human Genetics Tuebingen
Classification: Likely benign. Last evaluated: 2026-08-01. Review status: criteria provided, single submitter. Criteria: CeGaT Center For Human Genetics Tuebingen Variant Classification Criteria Version 2. Collection method: clinical testing. Allele origin: germline. Affected: yes. Observed: 6 variant alleles.
Comment: FICD: BS2

Labcorp Genetics (formerly Invitae), Labcorp
Classification: Benign. Last evaluated: 2018-06-26. Review status: criteria provided, single submitter. Criteria: Invitae Variant Classification Sherloc (09022015). Collection method: clinical testing. Allele origin: germline.

Breakthrough Genomics
Classification: Benign. Review status: criteria provided, single submitter. Criteria: ACMG Guidelines, 2015. Collection method: not provided. Allele origin: germline. Inheritance: Unknown mechanism. Affected: yes.

NM_007076.3(FICD):c.524A>C (p.Lys175Thr)

Gene: FICD (FIC domain protein adenylyltransferase; plus strand). Cytogenetic location: 12q23.3.
Variant type: single nucleotide variant.
Coding change: c.524A>C on transcript NM_007076.3 (MANE Select); coding-DNA position 524, A replaced by C.
Protein change: p.Lys175Thr; replaces lysine 175 with threonine.
Molecular consequence: missense variant.
Genome position (GRCh38, 1-based): chr12:108,518,622, A>C. VCF-style: chr12-108518622-A-C. GRCh37 (hg19) VCF-style: chr12-108912399-A-C.
Other names: short protein forms K175T.
Identifiers: ClinVar variation 791633 (VCV000791633.8), dbSNP rs77241670, ClinGen allele CA6767521.